The following is an entry in ClinVar:

NM_002202.3(ISL1):c.137C>G (p.Ala46Gly)

Gene: ISL1 (ISL LIM homeobox 1; plus strand). Cytogenetic location: 5q11.1.
Variant type: single nucleotide variant.
Coding change: c.137C>G on transcript NM_002202.3 (MANE Select); coding-DNA position 137, C replaced by G.
Protein change: p.Ala46Gly; replaces alanine 46 with glycine.
Molecular consequence: missense variant.
Genome position (GRCh38, 1-based): chr5:51,384,649, C>G. VCF-style: chr5-51384649-C-G. GRCh37 (hg19) VCF-style: chr5-50680483-C-G.
Other names: short protein forms A46G.
Identifiers: ClinVar variation 374407 (VCV000374407.2), dbSNP rs755382547, ClinGen allele CA359711488.

ClinVar aggregate classification (germline): Uncertain significance (1 of 4 stars; one submission).

Conditions:
Bladder exstrophy-epispadias-cloacal exstrophy complex. Also called: Exstrophy of the bladder-epispadias; Bladder exstrophy and epispadias complex; Bladder exstrophy-epispadias-cloacal extrophy complex. Identifiers: Orphanet 93930, MedGen C1838703, MONDO:0700039, OMIM 600057.

Submission:

Malformation Genetics, Karolinska Institutet
Classification: Uncertain significance for Bladder exstrophy-epispadias-cloacal exstrophy complex. Last evaluated: 2016-09-30. Review status: criteria provided, single submitter. Criteria: Nordenskjold Lab Assertion Criteria 2017. Collection method: research. Allele origin: inherited. Inheritance: Autosomal dominant inheritance. Affected: yes. Observed: 2 variant alleles, 2 heterozygotes.
Comment: Variant is novel and predicted as disease causing by MutationTaster, scaled CADD = 23, PANTHER = probably damaging. The position of the variant amino acid is also conserved in vertebrates.